The following is an entry in ClinVar:

ClinVar aggregate classification (germline): Likely pathogenic. Review status: criteria provided, multiple submitters, no conflicts (2 of 4 stars). 2 submissions from 2 submitters: Likely pathogenic (2). Last evaluated 2024-12-27.

Conditions:
ABCA12-related disorder. Also called: ABCA12-related condition.
Autosomal recessive congenital ichthyosis 4B (ARCI4B). Also called: Harlequin Fetus; HARLEQUIN ICHTHYOSIS; Ichthyosis, congenital, autosomal recessive 4B (harlequin); ICHTHYOSIS CONGENITA, HARLEQUIN FETUS TYPE. Identifiers: Orphanet 457, MedGen C0598226, MONDO:0009443, OMIM 242500.
Autosomal recessive congenital ichthyosis 4A (LI2). Also called: ICHTHYOSIS CONGENITA IIB. Identifiers: Orphanet 313, MedGen C1832550, MONDO:0011026, OMIM 601277.

Allele frequency attached by ClinVar (database versions not stated): gnomAD exomes 0.00001 and 0.00007; gnomAD 0.00003; TOPMed 0.00003.
gnomAD v4.1: 99 of 1,612,848 alleles (0.0061%); highest among the groups gnomAD compares: Non-Finnish European, 0.0081%; no homozygotes.

Submissions (2):

PreventionGenetics, part of Exact Sciences
Classification: Likely pathogenic for ABCA12-related condition. Last evaluated: 2024-12-27. Review status: criteria provided, single submitter. Criteria: ACMG Guidelines, 2015. Collection method: clinical testing. Allele origin: germline.
Comment: The ABCA12 c.693+1G>A variant is predicted to disrupt the GT donor site and interfere with normal splicing. To our knowledge, this variant has not been reported in the literature. This variant is reported in 0.0023% of alleles in individuals of European (Non-Finnish) descent in gnomAD. Variants that disrupt the consensus splice donor site in ABCA12 are expected to be pathogenic. This variant is interpreted as likely pathogenic.

Fulgent Genetics
Classification: Likely pathogenic for Autosomal recessive congenital ichthyosis 4B; Autosomal recessive congenital ichthyosis 4A. Last evaluated: 2024-06-01. Review status: criteria provided, single submitter. Criteria: ACMG Guidelines, 2015. Collection method: clinical testing. Allele origin: germline.

NM_173076.3(ABCA12):c.693+1G>A

Gene: ABCA12 (ATP binding cassette subfamily A member 12; minus strand). Cytogenetic location: 2q35.
Variant type: single nucleotide variant.
Coding change: c.693+1G>A on transcript NM_173076.3 (MANE Select); the canonical splice donor site of the intron after coding-DNA position 693, G replaced by A.
Molecular consequence: splice donor variant.
Genome position (GRCh38, 1-based): chr2:215,049,625, C>T on the plus strand (G>A on the coding strand, the complement: ABCA12 is on the minus strand). VCF-style: chr2-215049625-C-T. GRCh37 (hg19) VCF-style: chr2-215914349-C-T.
Identifiers: ClinVar variation 632345 (VCV000632345.6), dbSNP rs957637813, ClinGen allele CA64826633.